The following is an entry in ClinVar:

NM_020937.4(FANCM):c.3295C>A (p.Arg1099Ser)

Gene: FANCM (FA complementation group M; plus strand). Cytogenetic location: 14q21.2.
Variant type: single nucleotide variant.
Coding change: c.3295C>A on transcript NM_020937.4 (MANE Select); coding-DNA position 3295, C replaced by A.
Protein change: p.Arg1099Ser; replaces arginine 1099 with serine.
Molecular consequence: missense variant.
Genome position (GRCh38, 1-based): chr14:45,176,049, C>A. VCF-style: chr14-45176049-C-A. GRCh37 (hg19) VCF-style: chr14-45645252-C-A.
Other names: c.3217C>A, p.Arg1073Ser (NM_001308133.2); short protein forms R1073S, R1099S.
Identifiers: ClinVar variation 3512916 (VCV003512916.1).

ClinVar aggregate classification (germline): Uncertain significance (1 of 4 stars; one submission).

Conditions:
Inborn genetic diseases. Identifiers: MedGen C0950123, MeSH D030342.

Submission:

Ambry Genetics
Classification: Uncertain significance for Inborn genetic diseases. Last evaluated: 2024-11-23. Review status: criteria provided, single submitter. Criteria: Ambry Variant Classification Scheme 2023. Collection method: clinical testing. Allele origin: germline.
Comment: The p.R1099S variant (also known as c.3295C>A), located in coding exon 14 of the FANCM gene, results from a C to A substitution at nucleotide position 3295. The arginine at codon 1099 is replaced by serine, an amino acid with dissimilar properties. This amino acid position is conserved. In addition, this alteration is predicted to be tolerated by in silico analysis. Based on the available evidence, the clinical significance of this variant remains unclear.